The following is an entry in ClinVar:

ClinVar aggregate classification (germline): Pathogenic (1 of 4 stars; one submission).

Conditions:
Spastic paraplegia. Identifiers: MedGen C0037772, HP:0001258.

Allele frequency attached by ClinVar (database versions not stated): gnomAD exomes below 0.00001.
gnomAD v4.1: 1 of 1,613,300 alleles (0.000062%); highest among the groups gnomAD compares: Non-Finnish European, 0.000085%; no homozygotes.

Submission:

Labcorp Genetics (formerly Invitae), Labcorp
Classification: Pathogenic for Spastic paraplegia. Last evaluated: 2023-10-07. Review status: criteria provided, single submitter. Criteria: Invitae Variant Classification Sherloc (09022015). Collection method: clinical testing. Allele origin: germline.
Comment: This sequence change creates a premature translational stop signal (p.Gln1085*) in the ZFYVE26 gene. It is expected to result in an absent or disrupted protein product. Loss-of-function variants in ZFYVE26 are known to be pathogenic (PMID: 18394578, 19805727). This variant is not present in population databases (gnomAD no frequency). This variant has not been reported in the literature in individuals affected with ZFYVE26-related conditions. ClinVar contains an entry for this variant (Variation ID: 1363992). For these reasons, this variant has been classified as Pathogenic.

Literature cited by the submitters: PubMed 18394578; PubMed 19805727.

NM_015346.4(ZFYVE26):c.3253C>T (p.Gln1085Ter)

Gene: ZFYVE26 (zinc finger FYVE-type containing 26; minus strand). Cytogenetic location: 14q24.1.
Variant type: single nucleotide variant.
Coding change: c.3253C>T on transcript NM_015346.4 (MANE Select); coding-DNA position 3253, C replaced by T.
Protein change: p.Gln1085Ter; replaces glutamine 1085 with a stop codon.
Molecular consequence: nonsense.
Genome position (GRCh38, 1-based): chr14:67,785,909, G>A on the plus strand (C>T on the coding strand, the complement: ZFYVE26 is on the minus strand). VCF-style: chr14-67785909-G-A. GRCh37 (hg19) VCF-style: chr14-68252626-G-A.
Other names: short protein forms Q1085*.
Identifiers: ClinVar variation 1363992 (VCV001363992.6), dbSNP rs2140227651, ClinGen allele CA390172652.
Genomic context (GRCh38, chr14:67,785,909, plus strand): 5'-GCCTTATACCTGGCAGCTCTAGTGCCTCTCTCAGTGACTGAAGGACCTGATCTAGCTGCT[G>A]GGAGAGGGTGGTGTGGCTGGCAACACAGTCCTCGCTTAGGCTGGGCCAGCACATCTGAAG-3'